The following is an entry in ClinVar:

NM_014639.4(SKIC3):c.1862T>G (p.Phe621Cys)

Gene: SKIC3 (SKI3 subunit of superkiller complex; minus strand). Cytogenetic location: 5q15.
Variant type: single nucleotide variant.
Coding change: c.1862T>G on transcript NM_014639.4 (MANE Select); coding-DNA position 1862, T replaced by G.
Protein change: p.Phe621Cys; replaces phenylalanine 621 with cysteine.
Molecular consequence: missense variant.
Genome position (GRCh38, 1-based): chr5:95,522,203, A>C on the plus strand (T>G on the coding strand, the complement: SKIC3 is on the minus strand). VCF-style: chr5-95522203-A-C. GRCh37 (hg19) VCF-style: chr5-94857907-A-C.
Other names: short protein forms F621C.
Identifiers: ClinVar variation 3728653 (VCV003728653.2).
Genomic context (GRCh38, chr5:95,522,203, plus strand): 5'-ATTGCTGCAACCTTAAACACACTGTATATGGATTCTGGGTTCAGCTCACTGGCTTTTGTG[A>C]AGGACTTCAAGGCTGTTGTGTAGCCTCCTCTGCTTAAGTATGCTTCTCCTAACGATTCCC-3'
Protein context (NP_055454.1, residues 611-631): RGGYTTALKS[Phe621Cys]TKASELNPES

ClinVar aggregate classification (germline): Uncertain significance (1 of 4 stars; one submission).

Submission:

Labcorp Genetics (formerly Invitae), Labcorp
Classification: Uncertain significance. Last evaluated: 2025-07-31. Review status: criteria provided, single submitter. Criteria: Invitae Variant Classification Sherloc (09022015). Collection method: clinical testing. Allele origin: germline.
Comment: This sequence change replaces phenylalanine, which is neutral and non-polar, with cysteine, which is neutral and slightly polar, at codon 621 of the TTC37 protein (p.Phe621Cys). This variant is not present in population databases (gnomAD no frequency). This variant has not been reported in the literature in individuals affected with TTC37-related conditions. ClinVar contains an entry for this variant (Variation ID: 3728653). An algorithm developed to predict the effect of missense changes on protein structure and function (PolyPhen-2) suggests that this variant is likely to be disruptive. In summary, the available evidence is currently insufficient to determine the role of this variant in disease. Therefore, it has been classified as a Variant of Uncertain Significance.